The following is an entry in ClinVar:

NM_000063.6(C2):c.1902+6G>C

Gene: C2 (complement C2; plus strand). Cytogenetic location: 6p21.33.
Variant type: single nucleotide variant.
Coding change: c.1902+6G>C on transcript NM_000063.6 (MANE Select); 6 bases into the intron after coding-DNA position 1902, G replaced by C.
Molecular consequence: intron variant.
Genome position (GRCh38, 1-based): chr6:31,944,232, G>C. VCF-style: chr6-31944232-G-C. GRCh37 (hg19) VCF-style: chr6-31912009-G-C.
Other names: p.?; c.1164+6G>C (NM_001282457.2); c.1260+6G>C (NM_001178063.3); c.1815+6G>C (NM_001282458.2); c.1506+6G>C (NM_001145903.3).
Identifiers: ClinVar variation 356256 (VCV000356256.17), dbSNP rs9332730, ClinGen allele CA3727815.

ClinVar aggregate classification (germline): Benign/Likely benign. Review status: criteria provided, multiple submitters, no conflicts (2 of 4 stars). 5 submissions from 5 submitters: Benign (4); Likely benign (1). Last evaluated 2026-02-02.

Conditions:
Age related macular degeneration 14. Also called: MACULAR DEGENERATION, AGE-RELATED, 14, REDUCED RISK OF. Identifiers: MedGen C3809653, MONDO:0014207, OMIM 615489.

Allele frequency attached by ClinVar (database versions not stated): TOPMed 0.03605; 1000 Genomes Project 0.04293; 1000 Genomes Project 30x 0.04357; ESP Exome Variant Server 0.04481; gnomAD exomes 0.05008 and 0.05612; gnomAD 0.05089; ExAC 0.05850.
gnomAD v4.1: 79,015 of 1,595,440 alleles (5%); highest among the groups gnomAD compares: South Asian, 12%; 2,913 homozygotes.

Submissions (5):

Labcorp Genetics (formerly Invitae), Labcorp
Classification: Benign. Last evaluated: 2026-02-02. Review status: criteria provided, single submitter. Criteria: Invitae Variant Classification Sherloc (09022015). Collection method: clinical testing. Allele origin: germline.

Women's Health and Genetics/Laboratory Corporation of America, LabCorp
Classification: Benign. Last evaluated: 2026-01-22. Review status: criteria provided, single submitter. Criteria: LabCorp Variant Classification Summary - May 2015. Collection method: clinical testing. Allele origin: germline.

Mayo Clinic Laboratories, Mayo Clinic
Classification: Benign. Last evaluated: 2023-10-14. Review status: criteria provided, single submitter. Criteria: ACMG Guidelines, 2015. Collection method: clinical testing. Allele origin: germline. Observed: 45 variant alleles.

Illumina Laboratory Services, Illumina
Classification: Benign for Age related macular degeneration 14. Last evaluated: 2018-01-12. Review status: criteria provided, single submitter. Criteria: ICSL Variant Classification Criteria 13 December 2019. Collection method: clinical testing. Allele origin: germline.
Comment: This variant was observed in the ICSL laboratory as part of a predisposition screen in an ostensibly healthy population. It had not been previously curated by ICSL or reported in the Human Gene Mutation Database (HGMD: prior to June 1st, 2018), and was therefore a candidate for classification through an automated scoring system. Utilizing variant allele frequency, disease prevalence and penetrance estimates, and inheritance mode, an automated score was calculated to assess if this variant is too frequent to cause the disease. Based on the score and internal cut-off values, a variant classified as benign is not then subjected to further curation. The score for this variant resulted in a classification of benign for this disease.

Breakthrough Genomics
Classification: Likely benign. Review status: criteria provided, single submitter. Criteria: ACMG Guidelines, 2015. Collection method: not provided. Allele origin: germline. Inheritance: Autosomal recessive inheritance. Affected: yes.